The following is an entry in ClinVar:

ClinVar aggregate classification (germline): Conflicting classifications of pathogenicity. Review status: criteria provided, conflicting classifications (1 of 4 stars). 3 submissions from 3 submitters: Pathogenic (1); Likely pathogenic (1); Uncertain significance (1). Last evaluated 2024-07-02.

Conditions:
Dubin-Johnson syndrome (DJS). Also called: Hyperbilirubinemia type 2; HYPERBILIRUBINEMIA, DUBIN-JOHNSON TYPE; Jaundice, Chronic Idiopathic. Identifiers: Orphanet 234, MedGen C0022350, MONDO:0009380, OMIM 237500.

gnomAD v4.1: 1 of 1,613,774 alleles (0.000062%); highest among the groups gnomAD compares: South Asian, 0.0011%; no homozygotes.

Submissions (3):

Department of Human Genetics, Hannover Medical School
Classification: Likely pathogenic for Dubin-Johnson syndrome. Last evaluated: 2024-07-02. Review status: criteria provided, single submitter. Criteria: ACMG Guidelines, 2015. Collection method: clinical testing. Allele origin: germline. Affected: yes.

Labcorp Genetics (formerly Invitae), Labcorp
Classification: Pathogenic. Last evaluated: 2023-07-14. Review status: criteria provided, single submitter. Criteria: Invitae Variant Classification Sherloc (09022015). Collection method: clinical testing. Allele origin: germline.
Comment: Advanced modeling of protein sequence and biophysical properties (such as structural, functional, and spatial information, amino acid conservation, physicochemical variation, residue mobility, and thermodynamic stability) performed at Invitae indicates that this missense variant is expected to disrupt ABCC2 protein function. Experimental studies have shown that this missense change affects ABCC2 function (PMID: 32183854). This variant disrupts the p.Gly693 amino acid residue in ABCC2. Other variant(s) that disrupt this residue have been determined to be pathogenic (PMID: 31450232, 32758197). This suggests that this residue is clinically significant, and that variants that disrupt this residue are likely to be disease-causing. For these reasons, this variant has been classified as Pathogenic. ClinVar contains an entry for this variant (Variation ID: 1709676). This missense change has been observed in individuals with Dubin-Johnson syndrome (PMID: 30344695, 31544333, 32183854). This variant is present in population databases (rs765570396, gnomAD 0.003%). This sequence change replaces glycine, which is neutral and non-polar, with arginine, which is basic and polar, at codon 693 of the ABCC2 protein (p.Gly693Arg).

MGZ Medical Genetics Center
Classification: Uncertain significance for Dubin-Johnson syndrome. Last evaluated: 2022-07-27. Review status: criteria provided, single submitter. Criteria: ACMG Guidelines, 2015. Collection method: clinical testing. Allele origin: germline. Affected: yes. Observed: 1 variant allele.
Comment: ACMG criteria applied: PS1_SUP, PS4_SUP, PM2_SUP, PM3_SUP, PM5_SUP, PP3

Literature cited by the submitters: PubMed 32183854 (cited by Labcorp Genetics (formerly Invitae), Labcorp); PubMed 31450232 (cited by Labcorp Genetics (formerly Invitae), Labcorp); PubMed 32758197 (cited by Labcorp Genetics (formerly Invitae), Labcorp); PubMed 30344695 (cited by Labcorp Genetics (formerly Invitae), Labcorp); PubMed 31544333 (cited by Labcorp Genetics (formerly Invitae), Labcorp).

NM_000392.5(ABCC2):c.2077G>C (p.Gly693Arg)

Gene: ABCC2 (ATP binding cassette subfamily C member 2; plus strand). Cytogenetic location: 10q24.2.
Variant type: single nucleotide variant.
Coding change: c.2077G>C on transcript NM_000392.5 (MANE Select); coding-DNA position 2077, G replaced by C.
Protein change: p.Gly693Arg; replaces glycine 693 with arginine.
Molecular consequence: missense variant.
Genome position (GRCh38, 1-based): chr10:99,813,127, G>C. VCF-style: chr10-99813127-G-C. GRCh37 (hg19) VCF-style: chr10-101572884-G-C.
Other names: short protein forms G693R.
Identifiers: ClinVar variation 1709676 (VCV001709676.6), dbSNP rs765570396, ClinGen allele CA5643382.
Genomic context (GRCh38, chr10:99,813,127, plus strand): 5'-GTCGGCTCTGGGAAATCCTCCTTGATATCAGCCATGCTGGGAGAAATGGAAAATGTCCAC[G>C]GGCACATCACCATCAAGGTGAGAGGGAATGCCAATGCAAAAGCCTCTGACTCCCGAATGT-3'
Protein context (NP_000383.2, residues 683-703): AMLGEMENVH[Gly693Arg]HITIKGTTAY